The following is an entry in ClinVar:

NM_014704.4(CEP104):c.552A>T (p.Glu184Asp)

Gene: CEP104 (centrosomal protein 104; minus strand). Cytogenetic location: 1p36.32.
Variant type: single nucleotide variant.
Coding change: c.552A>T on transcript NM_014704.4 (MANE Select); coding-DNA position 552, A replaced by T.
Protein change: p.Glu184Asp; replaces glutamic acid 184 with aspartic acid.
Molecular consequence: missense variant.
Genome position (GRCh38, 1-based): chr1:3,844,921, T>A on the plus strand (A>T on the coding strand, the complement: CEP104 is on the minus strand). VCF-style: chr1-3844921-T-A. GRCh37 (hg19) VCF-style: chr1-3761485-T-A.
Other names: short protein forms E184D.
Identifiers: ClinVar variation 475463 (VCV000475463.18), dbSNP rs61745578, ClinGen allele CA551933.
Genomic context (GRCh38, chr1:3,844,921, plus strand): 5'-CTGAGGAAAGTAAAAGAAGTTCATTGATGGGGAGCAGGACTCTTACCTGGCGTACGTTCC[T>A]TCTAGAGCAGGGTCCTCGCTGTTGTGCCCAAGGTAGTGGTCAATCAACTTCTCTCGAGAG-3'
Protein context (NP_055519.1, residues 174-194): LGHNSEDPAL[Glu184Asp]GTYARKSDYI

ClinVar aggregate classification (germline): Benign/Likely benign. Review status: criteria provided, multiple submitters, no conflicts (2 of 4 stars). 5 submissions from 5 submitters: Benign (1); Likely benign (3). 1 of the submissions does not count toward it. Last evaluated 2026-01-30.

Conditions:
CEP104-related disorder. Also called: CEP104-related condition.
Joubert syndrome 25 (JBTS25). Identifiers: Orphanet 475, MedGen C4084842, MONDO:0014770, OMIM 616781.

Allele frequency attached by ClinVar (database versions not stated): gnomAD exomes 0.00057 and 0.00155; ExAC 0.00199; 1000 Genomes Project 0.00479; 1000 Genomes Project 30x 0.00547; gnomAD 0.00600 and 0.00658; TOPMed 0.00695; ESP Exome Variant Server 0.00700.
gnomAD v4.1: 1,792 of 1,614,026 alleles (0.11%); highest among the groups gnomAD compares: African/African-American, 2.1%; 16 homozygotes.

Submissions (5):

Labcorp Genetics (formerly Invitae), Labcorp
Classification: Benign for Joubert syndrome 25. Last evaluated: 2026-01-30. Review status: criteria provided, single submitter. Criteria: Invitae Variant Classification Sherloc (09022015). Collection method: clinical testing. Allele origin: germline.

Blueprint Genetics
Classification: Likely benign. Last evaluated: 2024-11-13. Review status: criteria provided, single submitter. Criteria: ACMG Guidelines, 2015. Collection method: clinical testing. Allele origin: germline.

GeneDx
Classification: Likely benign. Last evaluated: 2021-08-05. Review status: criteria provided, single submitter. Criteria: GeneDx Variant Classification Process June 2021. Collection method: clinical testing. Allele origin: germline. Affected: yes.

Breakthrough Genomics
Classification: Likely benign. Review status: criteria provided, single submitter. Criteria: ACMG Guidelines, 2015. Collection method: not provided. Allele origin: germline. Inheritance: Autosomal recessive inheritance. Affected: yes.

PreventionGenetics, part of Exact Sciences
Classification: Benign for CEP104-related condition. Last evaluated: 2019-09-05. Review status: no assertion criteria provided. Collection method: clinical testing. Allele origin: germline. Not counted in ClinVar's aggregate classification.
Comment: This variant is classified as benign based on ACMG/AMP sequence variant interpretation guidelines (Richards et al. 2015 PMID: 25741868, with internal and published modifications).